The following is an entry in ClinVar:

NM_001033855.3(DCLRE1C):c.1585_1588dup (p.Thr530fs)

Gene: DCLRE1C (DNA cross-link repair 1C; minus strand). Cytogenetic location: 10p13.
Variant type: Duplication.
Coding change: c.1585_1588dup on transcript NM_001033855.3 (MANE Select); coding-DNA positions 1585 to 1588, 4 bases duplicated (TCAA; older notation c.1585_1588dupTCAA).
Protein change: p.Thr530fs; shifts the reading frame from threonine 530.
Molecular consequence: frameshift variant. On other transcripts: non-coding transcript variant (4).
Genome position (GRCh38, 1-based): chr10:14,908,899-14,908,902, TTGA duplicated on the plus strand (TCAA on the coding strand, the reverse complement: DCLRE1C is on the minus strand); duplicating any 4 consecutive bases within chr10:14,908,899-14,908,904 gives the same sequence; the c. name uses the placement nearest the transcript's 3' end. VCF-style (leftmost placement, unchanged base first): chr10-14908898-G-GTTGA. GRCh37 (hg19) VCF-style: chr10-14950897-G-GTTGA.
Other names: c.1225_1228dup, p.Thr410fs (NM_001033857.3, NM_001033858.3, NM_001289077.2 and 2 more transcripts); c.1240_1243dup, p.Thr415fs (NM_001289076.2, NM_001289078.2, NM_001350966.2 and 1 more transcripts); c.1585_1588dup (NM_001033855.2); c.1585_1588dup, p.Thr530fs (NM_001350965.2); short protein forms T415fs, T410fs, T530fs.
Identifiers: ClinVar variation 1353520 (VCV001353520.10), dbSNP rs1834776385, ClinGen allele CA925233008.

ClinVar aggregate classification (germline): Pathogenic/Likely pathogenic. Review status: criteria provided, multiple submitters, no conflicts (2 of 4 stars). 2 submissions from 2 submitters: Pathogenic (1); Likely pathogenic (1). Last evaluated 2025-12-31.

Conditions:
Athabaskan severe combined immunodeficiency (SCIDA). Also called: Severe combined immunodeficiency, athabascan-type. Identifiers: MedGen C1865370.
Severe combined immunodeficiency due to DCLRE1C deficiency (RS-SCID). Also called: SCID, AUTOSOMAL RECESSIVE, T CELL-NEGATIVE, B CELL-NEGATIVE, NK CELL-POSITIVE, WITH SENSITIVITY TO IONIZING RADIATION. Identifiers: Orphanet 275, MedGen C1865371, MONDO:0011225, OMIM 602450.

Submissions (2):

Natera, Inc.
Classification: Likely pathogenic for Athabascan severe combined immunodeficiency. Last evaluated: 2025-12-31. Review status: criteria provided, single submitter. Criteria: Natera Variant Classification Schema (03/2026). Collection method: clinical testing. Allele origin: germline.
Comment: The c.1585_1588dup variant in DCLRE1C is a frameshift variant predicted to shift the reading frame beginning at codon 530 and leads to a stop codon 28 codons downstream. This variant is expected to result in nonsense mediated decay, truncation, or a dysfunctional protein product. This variant is rare in the general population with a frequency below the threshold expected for the associated phenotype(s). Given the available evidence, this variant is classified as Likely Pathogenic.

Labcorp Genetics (formerly Invitae), Labcorp
Classification: Pathogenic for Athabaskan severe combined immunodeficiency. Last evaluated: 2022-01-11. Review status: criteria provided, single submitter. Criteria: Invitae Variant Classification Sherloc (09022015). Collection method: clinical testing. Allele origin: germline.
Comment: This variant disrupts a region of the DCLRE1C protein in which other variant(s) (p.Thr557Asnfs*21) have been determined to be pathogenic (PMID: 26476407). This suggests that this is a clinically significant region of the protein, and that variants that disrupt it are likely to be disease-causing. This variant has not been reported in the literature in individuals affected with DCLRE1C-related conditions. This variant is not present in population databases (gnomAD no frequency). This sequence change creates a premature translational stop signal (p.Thr530Ilefs*28) in the DCLRE1C gene. While this is not anticipated to result in nonsense mediated decay, it is expected to disrupt the last 163 amino acid(s) of the DCLRE1C protein. For these reasons, this variant has been classified as Pathogenic.

Literature cited by the submitters: PubMed 26476407 (cited by Labcorp Genetics (formerly Invitae), Labcorp).